The following is an entry in ClinVar:

NM_032119.4(ADGRV1):c.6561A>G (p.Ile2187Met)

Gene: ADGRV1 (adhesion G protein-coupled receptor V1; plus strand). Cytogenetic location: 5q14.3.
Variant type: single nucleotide variant.
Coding change: c.6561A>G on transcript NM_032119.4 (MANE Select); coding-DNA position 6561, A replaced by G.
Protein change: p.Ile2187Met; replaces isoleucine 2187 with methionine.
Molecular consequence: missense variant. On other transcripts: non-coding transcript variant (1).
Genome position (GRCh38, 1-based): chr5:90,689,931, A>G. VCF-style: chr5-90689931-A-G. GRCh37 (hg19) VCF-style: chr5-89985748-A-G.
Other names: short protein forms I2187M.
Identifiers: ClinVar variation 1346399 (VCV001346399.6), dbSNP rs2149616013, ClinGen allele CA360366183.

ClinVar aggregate classification (germline): Uncertain significance. Review status: criteria provided, multiple submitters, no conflicts (2 of 4 stars). 2 submissions from 2 submitters: Uncertain significance (2). Last evaluated 2021-08-30.

gnomAD v4.1: 1 of 1,613,186 alleles (0.000062%); highest among the groups gnomAD compares: Non-Finnish European, 0.000085%; no homozygotes.

Submissions (2):

Labcorp Genetics (formerly Invitae), Labcorp
Classification: Uncertain significance. Last evaluated: 2021-08-30. Review status: criteria provided, single submitter. Criteria: Invitae Variant Classification Sherloc (09022015). Collection method: clinical testing. Allele origin: germline.
Comment: This sequence change replaces isoleucine with methionine at codon 2187 of the ADGRV1 protein (p.Ile2187Met). The isoleucine residue is highly conserved and there is a small physicochemical difference between isoleucine and methionine. This variant is not present in population databases (ExAC no frequency). This variant has not been reported in the literature in individuals affected with ADGRV1-related conditions. Algorithms developed to predict the effect of missense changes on protein structure and function are either unavailable or do not agree on the potential impact of this missense change (SIFT: "Deleterious"; PolyPhen-2: "Possibly Damaging"; Align-GVGD: "Class C0"). Algorithms developed to predict the effect of sequence changes on RNA splicing suggest that this variant may create or strengthen a splice site. In summary, the available evidence is currently insufficient to determine the role of this variant in disease. Therefore, it has been classified as a Variant of Uncertain Significance.

Blueprint Genetics
Classification: Uncertain significance. Last evaluated: 2018-07-09. Review status: criteria provided, single submitter. Criteria: ACMG Guidelines, 2015. Collection method: clinical testing. Allele origin: germline.